The following is an entry in ClinVar:

NM_001267550.2(TTN):c.55330dup (p.Ile18444fs)

Genes: TTN (titin; minus strand), TTN-AS1 (TTN antisense RNA 1; plus strand). Cytogenetic location: 2q31.2.
Variant type: Duplication.
Coding change: c.55330dup on transcript NM_001267550.2 (MANE Select); coding-DNA position 55330, one base duplicated (A; older notation c.55330dupA).
Protein change: p.Ile18444fs; shifts the reading frame from isoleucine 18444.
Molecular consequence: frameshift variant.
Genome position (GRCh38, 1-based): chr2:178,601,760, T duplicated on the plus strand (A on the coding strand, the reverse complement: TTN is on the minus strand); the first of 2 consecutive T bases (chr2:178,601,760-178,601,761); duplicating either gives the same sequence. VCF-style (leftmost placement, unchanged base first): chr2-178601759-A-AT. GRCh37 (hg19) VCF-style: chr2-179466486-A-AT.
Other names: c.50407dup, p.Ile16803fs (NM_001256850.1); c.28135dup, p.Ile9379fs (NM_003319.4); c.47626dup, p.Ile15876fs (NM_133378.4); c.28510dup, p.Ile9504fs (NM_133432.3); c.28711dup, p.Ile9571fs (NM_133437.4); short protein forms I15876fs, I16803fs, I9379fs, I9504fs, I9571fs, I18444fs.
Identifiers: ClinVar variation 5007664 (VCV005007664.2).

ClinVar aggregate classification (germline): Likely pathogenic (1 of 4 stars; one submission).

Conditions:
Dilated cardiomyopathy 1G (CMD1G). Identifiers: Orphanet 154, MedGen C1858763, MONDO:0011400, OMIM 604145.

Submission:

Juno Genomics, Hangzhou Juno Genomics, Inc
Classification: Likely pathogenic for Dilated cardiomyopathy 1G. Review status: criteria provided, single submitter. Criteria: ACMG Guidelines, 2015. Collection method: clinical testing. Allele origin: germline.
Comment: Absent from controls (or at extremely low frequency if recessive) in Genome Aggregation Database.;Null variant in a gene where loss of function (LOF) is a known mechanism of disease.